The following is an entry in ClinVar:

NM_000465.4(BARD1):c.748T>C (p.Ser250Pro)

Gene: BARD1 (BRCA1 associated RING domain 1; minus strand). Cytogenetic location: 2q35.
Variant type: single nucleotide variant.
Coding change: c.748T>C on transcript NM_000465.4 (MANE Select); coding-DNA position 748, T replaced by C.
Protein change: p.Ser250Pro; replaces serine 250 with proline.
Molecular consequence: missense variant. On other transcripts: non-coding transcript variant (2), intron variant (3).
Genome position (GRCh38, 1-based): chr2:214,781,126, A>G on the plus strand (T>C on the coding strand, the complement: BARD1 is on the minus strand). VCF-style: chr2-214781126-A-G. GRCh37 (hg19) VCF-style: chr2-215645850-A-G.
Other names: c.691T>C, p.Ser231Pro (NM_001282543.2); c.158+28286T>C (NM_001282548.2); c.215+15935T>C (NM_001282545.2); c.364+11171T>C (NM_001282549.2); short protein forms S250P, S231P.
Identifiers: ClinVar variation 629881 (VCV000629881.26), dbSNP rs570022823, ClinGen allele CA2090385.

ClinVar aggregate classification (germline): Conflicting classifications of pathogenicity. Review status: criteria provided, conflicting classifications (1 of 4 stars). 4 submissions from 4 submitters: Uncertain significance (2); Likely benign (2). Last evaluated 2026-01-15.

Conditions:
Hereditary cancer-predisposing syndrome. Also called: Neoplastic Syndromes, Hereditary; Tumor predisposition; Hereditary neoplastic syndrome; Hereditary Cancer Syndrome. Identifiers: Orphanet 140162, MedGen C0027672, MeSH D009386, MONDO:0015356.
Familial cancer of breast. Also called: BREAST CANCER, FAMILIAL; Hereditary breast cancer; hereditary breast carcinoma. Identifiers: Orphanet 227535, MedGen C0346153, MONDO:0016419, OMIM 114480. Disease mechanism: loss of function.

Allele frequency attached by ClinVar (database versions not stated): gnomAD below 0.00001 and 0.00006; TOPMed below 0.00001; gnomAD exomes 0.00002; ExAC 0.00003; 1000 Genomes Project 30x 0.00016; 1000 Genomes Project 0.00020.
gnomAD v4.1: 54 of 1,576,660 alleles (0.0034%); highest among the groups gnomAD compares: South Asian, 0.059%; no homozygotes.

Submissions (4):

Labcorp Genetics (formerly Invitae), Labcorp
Classification: Uncertain significance for Familial cancer of breast. Last evaluated: 2026-01-15. Review status: criteria provided, single submitter. Criteria: Invitae Variant Classification Sherloc (09022015). Collection method: clinical testing. Allele origin: germline.
Comment: This sequence change replaces serine, which is neutral and polar, with proline, which is neutral and non-polar, at codon 250 of the BARD1 protein (p.Ser250Pro). This variant is present in population databases (rs570022823, gnomAD 0.02%). This variant has not been reported in the literature in individuals affected with BARD1-related conditions. ClinVar contains an entry for this variant (Variation ID: 629881). An algorithm developed to predict the effect of missense changes on protein structure and function outputs the following: PolyPhen-2: "Benign". The proline amino acid residue is found in multiple mammalian species, which suggests that this missense change does not adversely affect protein function. In summary, the available evidence is currently insufficient to determine the role of this variant in disease. Therefore, it has been classified as a Variant of Uncertain Significance.

Color Diagnostics, LLC DBA Color Health
Classification: Likely benign for Hereditary cancer-predisposing syndrome. Last evaluated: 2025-06-09. Review status: criteria provided, single submitter. Criteria: ACMG Guidelines, 2015. Collection method: clinical testing. Allele origin: germline.

GeneDx
Classification: Uncertain significance. Last evaluated: 2025-03-07. Review status: criteria provided, single submitter. Criteria: GeneDx Variant Classification Process June 2021. Collection method: clinical testing. Allele origin: germline. Affected: yes.
Comment: Not observed at significant frequency in large population cohorts (gnomAD); In silico analysis indicates that this missense variant does not alter protein structure/function; This variant is associated with the following publications: (PMID: 38136308)

Ambry Genetics
Classification: Likely benign for Hereditary cancer-predisposing syndrome. Last evaluated: 2024-03-21. Review status: criteria provided, single submitter. Criteria: Ambry Variant Classification Scheme 2023. Collection method: clinical testing. Allele origin: germline.